The following is an entry in ClinVar:

ClinVar aggregate classification (germline): Uncertain significance (1 of 4 stars; one submission).

Conditions:
Susceptibility to respiratory infections associated with CD8alpha chain mutation (IMD116). Also called: Cd8 deficiency, familial; IMMUNODEFICIENCY 116. Identifiers: Orphanet 169085, MedGen C1837065, MONDO:0012161, OMIM 608957.

gnomAD v4.1: 80 of 1,612,486 alleles (0.005%); highest among the groups gnomAD compares: Non-Finnish European, 0.0063%; no homozygotes.

Submissions (2):

Labcorp Genetics (formerly Invitae), Labcorp
Classification: Uncertain significance for Susceptibility to respiratory infections associated with CD8alpha chain mutation. Last evaluated: 2022-07-30. Review status: criteria provided, single submitter. Criteria: Invitae Variant Classification Sherloc (09022015). Collection method: clinical testing. Allele origin: germline.
Comment: This sequence change replaces arginine, which is basic and polar, with glutamine, which is neutral and polar, at codon 219 of the CD8A protein (p.Arg219Gln). This variant also falls at the last nucleotide of exon 5, which is part of the consensus splice site for this exon. This variant is present in population databases (rs138963205, gnomAD 0.01%). This variant has not been reported in the literature in individuals affected with CD8A-related conditions. ClinVar contains an entry for this variant (Variation ID: 941739). Algorithms developed to predict the effect of missense changes on protein structure and function are either unavailable or do not agree on the potential impact of this missense change (SIFT: "Deleterious"; PolyPhen-2: "Probably Damaging"; Align-GVGD: "Class C0"). Variants that disrupt the consensus splice site are a relatively common cause of aberrant splicing (PMID: 17576681, 9536098). Algorithms developed to predict the effect of sequence changes on RNA splicing suggest that this variant may disrupt the consensus splice site. In summary, the available evidence is currently insufficient to determine the role of this variant in disease. Therefore, it has been classified as a Variant of Uncertain Significance.

Dr. Peter K. Rogan Lab, Western University
No classification provided (evidence only). Condition: Colon adenocarcinoma. Review status: no classification provided. Collection method: in vitro. Allele origin: not applicable. Functional consequence: retained intron. Not counted in ClinVar's aggregate classification.

Literature cited by the submitters: PubMed 17576681 (cited by Labcorp Genetics (formerly Invitae), Labcorp); PubMed 9536098 (cited by Labcorp Genetics (formerly Invitae), Labcorp).

NM_001768.7(CD8A):c.656G>A (p.Arg219Gln)

Genes: CD8A (CD8 subunit alpha; minus strand), LOC106699567 (CD8A intronic regulatory region; plus strand). Cytogenetic location: 2p11.2.
Variant type: single nucleotide variant.
Coding change: c.656G>A on transcript NM_001768.7 (MANE Select); coding-DNA position 656, G replaced by A.
Protein change: p.Arg219Gln; replaces arginine 219 with glutamine.
Molecular consequence: missense variant. On other transcripts: non-coding transcript variant (4).
Genome position (GRCh38, 1-based): chr2:86,788,530, C>T on the plus strand (G>A on the coding strand, the complement: CD8A is on the minus strand). VCF-style: chr2-86788530-C-T. GRCh37 (hg19) VCF-style: chr2-87015653-C-T.
Other names: c.656G>A, p.Arg219Gln (NM_001145873.1, NM_001382698.1); c.545G>A, p.Arg182Gln (NM_171827.4); short protein forms R219Q, R182Q.
Identifiers: ClinVar variation 941739 (VCV000941739.8), dbSNP rs138963205, ClinGen allele CA1751102.